The following is an entry in ClinVar:

ClinVar aggregate classification (germline): Uncertain significance (1 of 4 stars; one submission).

Conditions:
Intellectual disability, CASK-related, X-linked. Identifiers: MedGen CN043158.

Submission:

Labcorp Genetics (formerly Invitae), Labcorp
Classification: Uncertain significance for Intellectual disability, CASK-related, X-linked. Last evaluated: 2022-06-22. Review status: criteria provided, single submitter. Criteria: Invitae Variant Classification Sherloc (09022015). Collection method: clinical testing. Allele origin: germline.
Comment: In summary, the available evidence is currently insufficient to determine the role of this variant in disease. Therefore, it has been classified as a Variant of Uncertain Significance. Algorithms developed to predict the effect of missense changes on protein structure and function (SIFT, PolyPhen-2, Align-GVGD) all suggest that this variant is likely to be disruptive. This variant has not been reported in the literature in individuals affected with CASK-related conditions. This variant is not present in population databases (gnomAD no frequency). This sequence change replaces asparagine, which is neutral and polar, with threonine, which is neutral and polar, at codon 496 of the CASK protein (p.Asn496Thr).

NM_001367721.1(CASK):c.1487A>C (p.Asn496Thr)

Gene: CASK (calcium/calmodulin dependent serine protein kinase; minus strand). Cytogenetic location: Xp11.4.
Variant type: single nucleotide variant.
Coding change: c.1487A>C on transcript NM_001367721.1 (MANE Select); coding-DNA position 1487, A replaced by C.
Protein change: p.Asn496Thr; replaces asparagine 496 with threonine.
Molecular consequence: missense variant.
Genome position (GRCh38, 1-based): chrX:41,578,356, T>G on the plus strand (A>C on the coding strand, the complement: CASK is on the minus strand). VCF-style: chrX-41578356-T-G. GRCh37 (hg19) VCF-style: chrX-41437609-T-G.
Other names: c.1487A>C, p.Asn496Thr (NM_001126054.3, NM_003688.4); c.1469A>C, p.Asn490Thr (NM_001126055.3, NM_001410745.1); short protein forms N490T, N496T.
Identifiers: ClinVar variation 2009212 (VCV002009212.4), dbSNP rs2519818366, ClinGen allele CA412997279.
Genomic context (GRCh38, chrX:41,578,356, plus strand): 5'-CTGGGATCTTATGAGAGTATTGAAAACTTTCTCTTCCTACTTACCATTGGTTCATCTGTG[T>G]TCTTTTGAAACTGTACCAGCCGAACTCTGGTCACATTCTCCATATCCATGTCTCCGTTAG-3'
Protein context (NP_001354650.1, residues 486-506): TRVRLVQFQK[Asn496Thr]TDEPMGITLK